The following is an entry in ClinVar:

NM_000238.4(KCNH2):c.1655T>A (p.Leu552Ter)

Gene: KCNH2 (potassium voltage-gated channel subfamily H member 2; minus strand). Cytogenetic location: 7q36.1.
Variant type: single nucleotide variant.
Coding change: c.1655T>A on transcript NM_000238.4 (MANE Select); coding-DNA position 1655, T replaced by A.
Protein change: p.Leu552Ter; replaces leucine 552 with a stop codon.
Molecular consequence: nonsense.
Genome position (GRCh38, 1-based): chr7:150,951,738, A>T on the plus strand (T>A on the coding strand, the complement: KCNH2 is on the minus strand). VCF-style: chr7-150951738-A-T. GRCh37 (hg19) VCF-style: chr7-150648826-A-T.
Other names: c.635T>A, p.Leu212Ter (NM_001204798.2, NM_172057.3); c.1367T>A, p.Leu456Ter (NM_001406753.1, NM_001406756.1); c.1478T>A, p.Leu493Ter (NM_001406755.1); c.1355T>A, p.Leu452Ter (NM_001406757.1); c.1655T>A, p.Leu552Ter (NM_172056.3); short protein forms L212*, L552*, L456*, L493*, L452*.
Identifiers: ClinVar variation 648088 (VCV000648088.12), dbSNP rs199472918, ClinGen allele CA369858923.

ClinVar aggregate classification (germline): Pathogenic. Review status: criteria provided, multiple submitters, no conflicts (2 of 4 stars). 2 submissions from 2 submitters: Pathogenic (2). Last evaluated 2023-07-25.

Conditions:
Long QT syndrome (LQTS). Identifiers: MedGen C0023976, MeSH D008133, MONDO:0002442. Disease mechanism: loss of function. Inheritance: Various modes of inheritance.

Submissions (2):

GeneDx
Classification: Pathogenic. Last evaluated: 2023-07-25. Review status: criteria provided, single submitter. Criteria: GeneDx Variant Classification Process June 2021. Collection method: clinical testing. Allele origin: germline. Affected: yes.
Comment: Has not been previously published as pathogenic or benign to our knowledge; Not observed in large population cohorts (gnomAD); Nonsense variant predicted to result in protein truncation or nonsense mediated decay in a gene for which loss of function is a known mechanism of disease

Labcorp Genetics (formerly Invitae), Labcorp
Classification: Pathogenic for Long QT syndrome. Last evaluated: 2022-12-31. Review status: criteria provided, single submitter. Criteria: Invitae Variant Classification Sherloc (09022015). Collection method: clinical testing. Allele origin: germline.
Comment: This variant has not been reported in the literature in individuals affected with KCNH2-related conditions. This variant is not present in population databases (gnomAD no frequency). This sequence change creates a premature translational stop signal (p.Leu552*) in the KCNH2 gene. It is expected to result in an absent or disrupted protein product. Loss-of-function variants in KCNH2 are known to be pathogenic (PMID: 10973849, 19862833). ClinVar contains an entry for this variant (Variation ID: 648088). For these reasons, this variant has been classified as Pathogenic.

Literature cited by the submitters: PubMed 10973849 (cited by Labcorp Genetics (formerly Invitae), Labcorp); PubMed 19862833 (cited by Labcorp Genetics (formerly Invitae), Labcorp).